The following is an entry in ClinVar:

NM_000091.5(COL4A3):c.3752-8_3752-7delinsAT

Genes: COL4A3 (collagen type IV alpha 3 chain; plus strand), MFF-DT (MFF divergent transcript; minus strand). Cytogenetic location: 2q36.3.
Variant type: Indel.
Coding change: c.3752-8_3752-7delinsAT on transcript NM_000091.5 (MANE Select); 8 bases into the intron before coding-DNA position 3752 through 7 bases into the intron before coding-DNA position 3752, GA replaced by AT.
Molecular consequence: intron variant.
Genome position (GRCh38, 1-based): chr2:227,298,674-227,298,675, GA replaced by AT. VCF-style: chr2-227298674-GA-AT. GRCh37 (hg19) VCF-style: chr2-228163390-GA-AT.
Identifiers: ClinVar variation 3701130 (VCV003701130.2).

ClinVar aggregate classification (germline): Uncertain significance (1 of 4 stars; one submission).

Submission:

Labcorp Genetics (formerly Invitae), Labcorp
Classification: Uncertain significance. Last evaluated: 2024-05-11. Review status: criteria provided, single submitter. Criteria: Invitae Variant Classification Sherloc (09022015). Collection method: clinical testing. Allele origin: germline.
Comment: This sequence change falls in intron 42 of the COL4A3 gene. It does not directly change the encoded amino acid sequence of the COL4A3 protein. Information on the frequency of this variant in the gnomAD database is not available, as this variant may be reported differently in the database. This variant has not been reported in the literature in individuals affected with COL4A3-related conditions. Experimental studies and prediction algorithms are not available or were not evaluated, and the effect of this variant on mRNA splicing is currently unknown. In summary, the available evidence is currently insufficient to determine the role of this variant in disease. Therefore, it has been classified as a Variant of Uncertain Significance.